The following is an entry in ClinVar:

NM_138773.4(SLC25A46):c.283+311C>A

Gene: SLC25A46 (solute carrier family 25 member 46; plus strand). Cytogenetic location: 5q22.1.
Variant type: single nucleotide variant.
Coding change: c.283+311C>A on transcript NM_138773.4 (MANE Select); 311 bases into the intron after coding-DNA position 283, C replaced by A.
Molecular consequence: intron variant.
Genome position (GRCh38, 1-based): chr5:110,739,713, C>A. VCF-style: chr5-110739713-C-A. GRCh37 (hg19) VCF-style: chr5-110075414-C-A.
Other names: c.10+1466C>A (NM_001303250.3); c.283+311C>A (NM_001303249.3).
Identifiers: ClinVar variation 683978 (VCV000683978.1), dbSNP rs665063, ClinGen allele CA15376775.

ClinVar aggregate classification (germline): Benign (1 of 4 stars; one submission).

Allele frequency attached by ClinVar (database versions not stated): 1000 Genomes Project 30x 0.84775; 1000 Genomes Project 0.85423; TOPMed 0.83795.
gnomAD v4.1: 129,488 of 152,204 alleles (85%); highest among the groups gnomAD compares: East Asian, 91%; 55,536 homozygotes.

Submission:

GeneDx
Classification: Benign. Last evaluated: 2018-06-14. Review status: criteria provided, single submitter. Criteria: GeneDx Variant Classification (06012015). Collection method: clinical testing. Allele origin: germline. Affected: yes.
Comment: This variant is considered likely benign or benign based on one or more of the following criteria: it is a conservative change, it occurs at a poorly conserved position in the protein, it is predicted to be benign by multiple in silico algorithms, and/or has population frequency not consistent with disease.